The following is an entry in ClinVar:

ClinVar aggregate classification (germline): Likely benign (1 of 4 stars; one submission).

Conditions:
ARL6-related disorder. Also called: ARL6-related condition.

gnomAD v4.1: 2 of 1,612,072 alleles (0.00012%); highest among the groups gnomAD compares: East Asian, 0.0022%; no homozygotes.

Submission:

PreventionGenetics, part of Exact Sciences
Classification: Likely benign for ARL6-related condition. Last evaluated: 2025-05-06. Review status: criteria provided, single submitter. Criteria: ACMG Guidelines, 2015. Collection method: clinical testing. Allele origin: germline.
Comment: This variant is classified as likely benign based on ACMG/AMP sequence variant interpretation guidelines (Richards et al. 2015 PMID: 25741868, with internal and published modifications).

NM_001278293.3(ARL6):c.535+5A>G

Gene: ARL6 (ARF like GTPase 6; plus strand). Cytogenetic location: 3q11.2.
Variant type: single nucleotide variant.
Coding change: c.535+5A>G on transcript NM_001278293.3 (MANE Select); 5 bases into the intron after coding-DNA position 535, A replaced by G.
Molecular consequence: intron variant.
Genome position (GRCh38, 1-based): chr3:97,791,831, A>G. VCF-style: chr3-97791831-A-G. GRCh37 (hg19) VCF-style: chr3-97510675-A-G.
Other names: c.535+5A>G (NM_032146.5, NM_177976.3, NM_001323513.2); c.479+3712A>G (NM_001323514.2).
Identifiers: ClinVar variation 4984292 (VCV004984292.1).